The following is an entry in ClinVar:

ClinVar aggregate classification (germline): Uncertain significance (1 of 4 stars; one submission).

Allele frequency attached by ClinVar (database versions not stated): TOPMed below 0.00001; gnomAD 0.00001.
gnomAD v4.1: 14 of 1,613,948 alleles (0.00087%); highest among the groups gnomAD compares: East Asian, 0.027%; no homozygotes.

Submission:

Labcorp Genetics (formerly Invitae), Labcorp
Classification: Uncertain significance. Last evaluated: 2022-08-21. Review status: criteria provided, single submitter. Criteria: Invitae Variant Classification Sherloc (09022015). Collection method: clinical testing. Allele origin: germline.
Comment: In summary, the available evidence is currently insufficient to determine the role of this variant in disease. Therefore, it has been classified as a Variant of Uncertain Significance. Algorithms developed to predict the effect of missense changes on protein structure and function are either unavailable or do not agree on the potential impact of this missense change (SIFT: "Not Available"; PolyPhen-2: "Probably Damaging"; Align-GVGD: "Not Available"). This variant has not been reported in the literature in individuals affected with ADAMTS18-related conditions. This variant is present in population databases (no rsID available, gnomAD 0.01%). This sequence change replaces histidine, which is basic and polar, with tyrosine, which is neutral and polar, at codon 383 of the ADAMTS18 protein (p.His383Tyr).

NM_199355.4(ADAMTS18):c.1147C>T (p.His383Tyr)

Gene: ADAMTS18 (ADAM metallopeptidase with thrombospondin type 1 motif 18; minus strand). Cytogenetic location: 16q23.1.
Variant type: single nucleotide variant.
Coding change: c.1147C>T on transcript NM_199355.4 (MANE Select); coding-DNA position 1147, C replaced by T.
Protein change: p.His383Tyr; replaces histidine 383 with tyrosine.
Molecular consequence: missense variant.
Genome position (GRCh38, 1-based): chr16:77,362,174, G>A on the plus strand (C>T on the coding strand, the complement: ADAMTS18 is on the minus strand). VCF-style: chr16-77362174-G-A. GRCh37 (hg19) VCF-style: chr16-77396071-G-A.
Other names: c.631C>T, p.His211Tyr (NM_001326358.2); short protein forms H383Y, H211Y.
Identifiers: ClinVar variation 2185624 (VCV002185624.2), dbSNP rs1256033738, ClinGen allele CA396835844.